The following is an entry in ClinVar:

NM_004714.3(DYRK1B):c.*8C>G

Gene: DYRK1B (dual specificity tyrosine phosphorylation regulated kinase 1B; minus strand). Cytogenetic location: 19q13.2.
Variant type: single nucleotide variant.
Coding change: c.*8C>G on transcript NM_004714.3 (MANE Select); 8 bases downstream of the stop codon, C replaced by G.
Molecular consequence: 3 prime UTR variant.
Genome position (GRCh38, 1-based): chr19:39,825,707, G>C on the plus strand (C>G on the coding strand, the complement: DYRK1B is on the minus strand). VCF-style: chr19-39825707-G-C. GRCh37 (hg19) VCF-style: chr19-40316347-G-C.
Other names: c.*8C>G (NM_006483.3, NM_006484.3).
Identifiers: ClinVar variation 3030799 (VCV003030799.2), dbSNP rs1409770889, ClinGen allele CA2585056969.
Genomic context (GRCh38, chr19:39,825,707, plus strand): 5'-ATGGGAGCCCAGGGCCCCCAGATGGGGGAGGGTATGGCTTCAGGAGGGGCCCCAGGGAGG[G>C]GGCAGGGTCACGAGCTGGCTGCTGTGCTCTGGGGTACACCACGGAGGCCCAGGTGAGGCC-3'

ClinVar aggregate classification (germline): Likely benign (0 of 4 stars; one submission).

Conditions:
DYRK1B-related disorder. Also called: DYRK1B-related condition.

gnomAD v4.1: 1 of 1,546,786 alleles (0.000065%); highest among the groups gnomAD compares: Non-Finnish European, 0.000087%; no homozygotes.

Submission:

PreventionGenetics, part of Exact Sciences
Classification: Likely benign for DYRK1B-related condition. Last evaluated: 2022-10-29. Review status: no assertion criteria provided. Collection method: clinical testing. Allele origin: germline.
Comment: This variant is classified as likely benign based on ACMG/AMP sequence variant interpretation guidelines (Richards et al. 2015 PMID: 25741868, with internal and published modifications).